The following is an entry in ClinVar:

NM_001110556.2(FLNA):c.6152G>C (p.Arg2051Pro)

Gene: FLNA (filamin A; minus strand). Cytogenetic location: Xq28.
Variant type: single nucleotide variant.
Coding change: c.6152G>C on transcript NM_001110556.2 (MANE Select); coding-DNA position 6152, G replaced by C.
Protein change: p.Arg2051Pro; replaces arginine 2051 with proline.
Molecular consequence: missense variant.
Genome position (GRCh38, 1-based): chrX:154,353,075, C>G on the plus strand (G>C on the coding strand, the complement: FLNA is on the minus strand). VCF-style: chrX-154353075-C-G. GRCh37 (hg19) VCF-style: chrX-153581443-C-G.
Other names: c.6128G>C, p.Arg2043Pro (NM_001456.4); short protein forms R2043P, R2051P.
Identifiers: ClinVar variation 1944706 (VCV001944706.5), dbSNP rs782483195, ClinGen allele CA415195723.

ClinVar aggregate classification (germline): Uncertain significance (1 of 4 stars; one submission).

Conditions:
Heterotopia, periventricular, X-linked dominant (PVNH1). Also called: PERIVENTRICULAR NODULAR HETEROTOPIA 1; PERIVENTRICULAR NODULAR HETEROTOPIA 4; HETEROTOPIA, PERIVENTRICULAR, 1; X-linked periventricular heterotopia. Identifiers: Orphanet 2149, Orphanet 82004, MedGen C1848213, MONDO:0010233, OMIM 300049.
Melnick-Needles syndrome (MNS). Also called: Melnick-Needles Syndrome (FLNA-MNS); MELNICK-NEEDLES OSTEODYSPLASTY; OSTEODYSPLASTY OF MELNICK AND NEEDLES. Identifiers: Orphanet 2484, MedGen C0025237, MONDO:0010650, OMIM 309350.
Oto-palato-digital syndrome, type II (OPD2). Also called: Otopalatodigital Syndrome Type 2 (FLNA-OPD2); FACIOPALATOOSSEOUS SYNDROME; OPD II SYNDROME; Otopalatodigital Syndrome, Type II. Identifiers: Orphanet 669, Orphanet 90652, MedGen C1844696, MONDO:0010571, OMIM 304120.
Frontometaphyseal dysplasia (FMD1). Identifiers: Orphanet 1826, MedGen C0265293, MONDO:0015942.

Submission:

Labcorp Genetics (formerly Invitae), Labcorp
Classification: Uncertain significance for Oto-palato-digital syndrome, type II; Heterotopia, periventricular, X-linked dominant; Frontometaphyseal dysplasia; Melnick-Needles syndrome. Last evaluated: 2022-11-15. Review status: criteria provided, single submitter. Criteria: Invitae Variant Classification Sherloc (09022015). Collection method: clinical testing. Allele origin: germline.
Comment: In summary, the available evidence is currently insufficient to determine the role of this variant in disease. Therefore, it has been classified as a Variant of Uncertain Significance. Advanced modeling of protein sequence and biophysical properties (such as structural, functional, and spatial information, amino acid conservation, physicochemical variation, residue mobility, and thermodynamic stability) performed at Invitae indicates that this missense variant is not expected to disrupt FLNA protein function. This variant has not been reported in the literature in individuals affected with FLNA-related conditions. This variant is not present in population databases (gnomAD no frequency). This sequence change replaces arginine, which is basic and polar, with proline, which is neutral and non-polar, at codon 2043 of the FLNA protein (p.Arg2043Pro).